The following is an entry in ClinVar:

NM_198334.3(GANAB):c.335G>A (p.Arg112Gln)

Gene: GANAB (glucosidase II alpha subunit; minus strand). Cytogenetic location: 11q12.3.
Variant type: single nucleotide variant.
Coding change: c.335G>A on transcript NM_198334.3 (MANE Select); coding-DNA position 335, G replaced by A.
Protein change: p.Arg112Gln; replaces arginine 112 with glutamine.
Molecular consequence: missense variant. On other transcripts: 5 prime UTR variant (2), intron variant (2).
Genome position (GRCh38, 1-based): chr11:62,639,028, C>T on the plus strand (G>A on the coding strand, the complement: GANAB is on the minus strand). VCF-style: chr11-62639028-C-T. GRCh37 (hg19) VCF-style: chr11-62406500-C-T.
Other names: c.44G>A, p.Arg15Gln (NM_001278194.2, NM_001329222.2, NM_001329223.2); c.-442G>A (NM_001329224.2, NM_001329225.2); c.335G>A, p.Arg112Gln (NM_198335.4); c.39-4028G>A (NM_001278193.2, NM_001278192.2); short protein forms R112Q, R15Q.
Identifiers: ClinVar variation 3602410 (VCV003602410.1).

ClinVar aggregate classification (germline): Uncertain significance (1 of 4 stars; one submission).

Submission:

GeneDx
Classification: Uncertain significance. Last evaluated: 2024-07-31. Review status: criteria provided, single submitter. Criteria: GeneDx Variant Classification Process June 2021. Collection method: clinical testing. Allele origin: germline. Affected: yes.
Comment: Not observed at significant frequency in large population cohorts (gnomAD); In silico analysis supports that this missense variant has a deleterious effect on protein structure/function; Has not been previously published as pathogenic or benign to our knowledge